The following is an entry in ClinVar:

NM_021971.4(GMPPB):c.933C>T (p.Arg311=)

Gene: GMPPB (GDP-mannose pyrophosphorylase B; minus strand). Cytogenetic location: 3p21.31.
Variant type: single nucleotide variant.
Coding change: c.933C>T on transcript NM_021971.4 (MANE Select); coding-DNA position 933, C replaced by T.
Protein change: p.Arg311=; no amino-acid change (arginine 311 retained).
Molecular consequence: synonymous variant.
Genome position (GRCh38, 1-based): chr3:49,721,983, G>A on the plus strand (C>T on the coding strand, the complement: GMPPB is on the minus strand). VCF-style: chr3-49721983-G-A. GRCh37 (hg19) VCF-style: chr3-49759416-G-A.
Other names: c.933C>T, p.Arg311= (NM_013334.4).
Identifiers: ClinVar variation 3033721 (VCV003033721.2), dbSNP rs2080419735, ClinGen allele CA433850988.
Genomic context (GRCh38, chr3:49,721,983, plus strand): 5'-CTCCCCGCCCCTCTCCCCACCCAGCCCAGCCCACAGGCTTACCCACTGACCCACGCGGCA[G>A]CGCCAGCCCACAATGCAGGACTCAAGCCAGGAATGGGAACGGATCCGGGCATCCCGCAGC-3'
Protein context (NP_068806.2, residues 301-321): SWLESCIVGW[Arg311=]CRVGQWVRME

ClinVar aggregate classification (germline): Likely benign (0 of 4 stars; one submission).

Conditions:
GMPPB-related disorder. Also called: GMPPB-related condition; GMPPB-related disorders.

Allele frequency attached by ClinVar (database versions not stated): gnomAD exomes below 0.00001.
gnomAD v4.1: 5 of 1,537,114 alleles (0.00033%); highest among the groups gnomAD compares: South Asian, 0.0056%; no homozygotes.

Submission:

PreventionGenetics, part of Exact Sciences
Classification: Likely benign for GMPPB-related condition. Last evaluated: 2024-01-23. Review status: no assertion criteria provided. Collection method: clinical testing. Allele origin: germline.
Comment: This variant is classified as likely benign based on ACMG/AMP sequence variant interpretation guidelines (Richards et al. 2015 PMID: 25741868, with internal and published modifications).